The following is an entry in ClinVar:

ClinVar aggregate classification (germline): Uncertain significance (1 of 4 stars; one submission).

Allele frequency attached by ClinVar (database versions not stated): gnomAD exomes below 0.00001; ExAC 0.00001.
gnomAD v4.1: 1 of 1,209,744 alleles (0.000083%); highest among the groups gnomAD compares: Non-Finnish European, 0.00011%; no homozygotes.

Submission:

Labcorp Genetics (formerly Invitae), Labcorp
Classification: Uncertain significance. Last evaluated: 2023-02-05. Review status: criteria provided, single submitter. Criteria: Invitae Variant Classification Sherloc (09022015). Collection method: clinical testing. Allele origin: germline.
Comment: In summary, the available evidence is currently insufficient to determine the role of this variant in disease. Therefore, it has been classified as a Variant of Uncertain Significance. Advanced modeling of protein sequence and biophysical properties (such as structural, functional, and spatial information, amino acid conservation, physicochemical variation, residue mobility, and thermodynamic stability) performed at Invitae indicates that this missense variant is not expected to disrupt GRIA3 protein function. This variant has not been reported in the literature in individuals affected with GRIA3-related conditions. This variant is present in population databases (rs778681545, gnomAD 0.001%). This sequence change replaces isoleucine, which is neutral and non-polar, with threonine, which is neutral and polar, at codon 744 of the GRIA3 protein (p.Ile744Thr).

NM_007325.5(GRIA3):c.2231T>C (p.Ile744Thr)

Gene: GRIA3 (glutamate ionotropic receptor AMPA type subunit 3; plus strand). Cytogenetic location: Xq25.
Variant type: single nucleotide variant.
Coding change: c.2231T>C on transcript NM_007325.5 (MANE Select); coding-DNA position 2231, T replaced by C.
Protein change: p.Ile744Thr; replaces isoleucine 744 with threonine.
Molecular consequence: missense variant.
Genome position (GRCh38, 1-based): chrX:123,465,019, T>C. VCF-style: chrX-123465019-T-C. GRCh37 (hg19) VCF-style: chrX-122598870-T-C.
Other names: c.2231T>C, p.Ile744Thr (NM_000828.5); short protein forms I744T.
Identifiers: ClinVar variation 2876255 (VCV002876255.3), dbSNP rs778681545, ClinGen allele CA10507150.
Genomic context (GRCh38, chrX:123,465,019, plus strand): 5'-GAGTGCGAAAGTCCAAGGGAAAGTTCGCCTTCCTGCTGGAGTCAACCATGAATGAGTACA[T>C]TGAGCAGAGAAAACCATGTGATACGATGAAAGTTGGTGGAAATCTGGATTCCAAAGGCTA-3'
Protein context (NP_015564.5, residues 734-754): FLLESTMNEY[Ile744Thr]EQRKPCDTMK